The following is an entry in ClinVar:

NM_004268.5(MED17):c.1439dup (p.Ser481fs)

Gene: MED17 (mediator complex subunit 17; plus strand). Cytogenetic location: 11q21.
Variant type: Duplication.
Coding change: c.1439dup on transcript NM_004268.5 (MANE Select); coding-DNA position 1439, one base duplicated (C; older notation c.1439dupC).
Protein change: p.Ser481fs; shifts the reading frame from serine 481.
Molecular consequence: frameshift variant.
Genome position (GRCh38, 1-based): chr11:93,801,945, C duplicated. VCF-style (leftmost placement, unchanged base first): chr11-93801944-A-AC. GRCh37 (hg19) VCF-style: chr11-93535110-A-AC.
Other names: short protein forms S481fs.
Identifiers: ClinVar variation 849406 (VCV000849406.7), dbSNP rs1943967317, ClinGen allele CA916083273.

ClinVar aggregate classification (germline): Pathogenic (1 of 4 stars; one submission).

Submission:

Labcorp Genetics (formerly Invitae), Labcorp
Classification: Pathogenic. Last evaluated: 2019-03-12. Review status: criteria provided, single submitter. Criteria: Invitae Variant Classification Sherloc (09022015). Collection method: clinical testing. Allele origin: germline.
Comment: For these reasons, this variant has been classified as Pathogenic. Loss-of-function variants in MED17 are known to be pathogenic (PMID: 20950787, 26004231). This variant has not been reported in the literature in individuals with MED17-related conditions. This variant is not present in population databases (ExAC no frequency). This sequence change creates a premature translational stop signal (p.Ser481Ilefs*5) in the MED17 gene. It is expected to result in an absent or disrupted protein product.

Literature cited by the submitters: PubMed 20950787; PubMed 26004231.